The following is an entry in ClinVar:

NM_152641.4(ARID2):c.4429G>C (p.Val1477Leu)

Gene: ARID2 (AT-rich interaction domain 2; plus strand). Cytogenetic location: 12q12.
Variant type: single nucleotide variant.
Coding change: c.4429G>C on transcript NM_152641.4 (MANE Select); coding-DNA position 4429, G replaced by C.
Protein change: p.Val1477Leu; replaces valine 1477 with leucine.
Molecular consequence: missense variant.
Genome position (GRCh38, 1-based): chr12:45,852,552, G>C. VCF-style: chr12-45852552-G-C. GRCh37 (hg19) VCF-style: chr12-46246335-G-C.
Other names: c.4429G>C, p.Val1477Leu (NM_001347839.2); short protein forms V1477L.
Identifiers: ClinVar variation 3893574 (VCV003893574.1).

ClinVar aggregate classification (germline): Uncertain significance (1 of 4 stars; one submission).

Submission:

GeneDx
Classification: Uncertain significance. Last evaluated: 2024-10-24. Review status: criteria provided, single submitter. Criteria: GeneDx Variant Classification Process June 2021. Collection method: clinical testing. Allele origin: germline. Affected: yes.
Comment: Not observed at significant frequency in large population cohorts (gnomAD); In silico analysis indicates that this missense variant does not alter protein structure/function; Has not been previously published as pathogenic or benign to our knowledge